The following is an entry in ClinVar:

NM_001365951.3(KIF1B):c.5268G>T (p.Glu1756Asp)

Gene: KIF1B (kinesin family member 1B; plus strand). Cytogenetic location: 1p36.22.
Variant type: single nucleotide variant.
Coding change: c.5268G>T on transcript NM_001365951.3 (MANE Select); coding-DNA position 5268, G replaced by T.
Protein change: p.Glu1756Asp; replaces glutamic acid 1756 with aspartic acid.
Molecular consequence: missense variant.
Genome position (GRCh38, 1-based): chr1:10,375,025, G>T. VCF-style: chr1-10375025-G-T. GRCh37 (hg19) VCF-style: chr1-10435083-G-T.
Other names: c.5268G>T, p.Glu1756Asp (NM_001365952.1); c.5130G>T, p.Glu1710Asp (NM_015074.3); short protein forms E1710D, E1756D.
Identifiers: ClinVar variation 4092336 (VCV004092336.1).

ClinVar aggregate classification (germline): Uncertain significance (1 of 4 stars; one submission).

Submission:

Ambry Genetics
Classification: Uncertain significance. Last evaluated: 2025-07-06. Review status: criteria provided, single submitter. Criteria: Ambry Variant Classification Scheme 2023. Collection method: clinical testing. Allele origin: germline.
Comment: The p.E1710D variant (also known as c.5130G>T), located in coding exon 44 of the KIF1B gene, results from a G to T substitution at nucleotide position 5130. The glutamic acid at codon 1710 is replaced by aspartic acid, an amino acid with highly similar properties. This amino acid position is conserved. In addition, the in silico prediction for this alteration is inconclusive. Based on the available evidence, the clinical significance of this variant remains unclear.